The following is an entry in ClinVar:

NM_005051.3(QARS1):c.452-10A>G

Gene: QARS1 (glutaminyl-tRNA synthetase 1; minus strand). Cytogenetic location: 3p21.31.
Variant type: single nucleotide variant.
Coding change: c.452-10A>G on transcript NM_005051.3 (MANE Select); 10 bases into the intron before coding-DNA position 452, A replaced by G.
Molecular consequence: intron variant.
Genome position (GRCh38, 1-based): chr3:49,103,419, T>C on the plus strand (A>G on the coding strand, the complement: QARS1 is on the minus strand). VCF-style: chr3-49103419-T-C. GRCh37 (hg19) VCF-style: chr3-49140852-T-C.
Other names: c.419-10A>G (NM_001272073.2).
Identifiers: ClinVar variation 391001 (VCV000391001.9), dbSNP rs754207465, ClinGen allele CA2392153.

ClinVar aggregate classification (germline): Likely benign. Review status: criteria provided, multiple submitters, no conflicts (2 of 4 stars). 2 submissions from 2 submitters: Likely benign (2). Last evaluated 2023-11-06.

Conditions:
Diffuse cerebral and cerebellar atrophy - intractable seizures - progressive microcephaly syndrome. Also called: Microcephaly, progressive, with seizures and cerebral and cerebellar atrophy. Identifiers: Orphanet 404437, MedGen C4014239, MONDO:0014335, OMIM 615760.

Allele frequency attached by ClinVar (database versions not stated): TOPMed below 0.00001; gnomAD 0.00001 and 0.00003; ExAC 0.00002; gnomAD exomes 0.00002 and 0.00003.

Submissions (2):

Labcorp Genetics (formerly Invitae), Labcorp
Classification: Likely benign for Diffuse cerebral and cerebellar atrophy - intractable seizures - progressive microcephaly syndrome. Last evaluated: 2023-11-06. Review status: criteria provided, single submitter. Criteria: Invitae Variant Classification Sherloc (09022015). Collection method: clinical testing. Allele origin: germline.

GeneDx
Classification: Likely benign. Last evaluated: 2016-11-18. Review status: criteria provided, single submitter. Criteria: GeneDx Variant Classification (06012015). Collection method: clinical testing. Allele origin: germline. Affected: yes.
Comment: This variant is considered likely benign or benign based on one or more of the following criteria: it is a conservative change, it occurs at a poorly conserved position in the protein, it is predicted to be benign by multiple in silico algorithms, and/or has population frequency not consistent with disease.